The following is an entry in ClinVar:

NM_001283009.2(RTEL1):c.2954C>G (p.Pro985Arg)

Genes: RTEL1 (regulator of telomere elongation helicase 1; plus strand), RTEL1-TNFRSF6B (RTEL1-TNFRSF6B readthrough (NMD candidate); plus strand). Cytogenetic location: 20q13.33.
Variant type: single nucleotide variant.
Coding change: c.2954C>G on transcript NM_001283009.2 (MANE Select); coding-DNA position 2954, C replaced by G.
Protein change: p.Pro985Arg; replaces proline 985 with arginine.
Molecular consequence: missense variant. On other transcripts: non-coding transcript variant (1).
Genome position (GRCh38, 1-based): chr20:63,693,245, C>G. VCF-style: chr20-63693245-C-G. GRCh37 (hg19) VCF-style: chr20-62324598-C-G.
Other names: c.2285C>G, p.Pro762Arg (NM_001283010.1); c.2954C>G, p.Pro985Arg (NM_016434.4); c.3026C>G, p.Pro1009Arg (NM_032957.5); short protein forms P1009R, P985R, P762R.
Identifiers: ClinVar variation 4790160 (VCV004790160.1).

ClinVar aggregate classification (germline): Uncertain significance (1 of 4 stars; one submission).

Conditions:
Dyskeratosis congenita, autosomal recessive 5 (DKCB5). Identifiers: MedGen C3554656, MONDO:0014076, OMIM 615190.
Pulmonary fibrosis and/or bone marrow failure, Telomere-related, 3. Also called: PULMONARY FIBROSIS AND/OR BONE MARROW FAILURE SYNDROME, TELOMERE-RELATED, 3. Identifiers: Orphanet 2032, MedGen C4225346, MONDO:0014613, OMIM 616373.

gnomAD v4.1: 3 of 1,612,018 alleles (0.00019%); highest among the groups gnomAD compares: Non-Finnish European, 0.00025%; no homozygotes.

Submission:

Labcorp Genetics (formerly Invitae), Labcorp
Classification: Uncertain significance for Dyskeratosis congenita, autosomal recessive 5; Pulmonary fibrosis and/or bone marrow failure, Telomere-related, 3. Last evaluated: 2025-12-22. Review status: criteria provided, single submitter. Criteria: Invitae Variant Classification Sherloc (09022015). Collection method: clinical testing. Allele origin: germline.
Comment: This sequence change replaces proline, which is neutral and non-polar, with arginine, which is basic and polar, at codon 985 of the RTEL1 protein (p.Pro985Arg). This variant is not present in population databases (gnomAD no frequency). This variant has not been reported in the literature in individuals affected with RTEL1-related conditions. An algorithm developed to predict the effect of missense changes on protein structure and function (PolyPhen-2) suggests that this variant is likely to be disruptive. In summary, the available evidence is currently insufficient to determine the role of this variant in disease. Therefore, it has been classified as a Variant of Uncertain Significance.